The following is an entry in ClinVar:

ClinVar aggregate classification (germline): Benign/Likely benign. Review status: criteria provided, multiple submitters, no conflicts (2 of 4 stars). 5 submissions from 5 submitters: Benign (1); Likely benign (4). Last evaluated 2026-01-08.

Conditions:
Wolfram syndrome 1 (WFS1). Identifiers: Orphanet 3463, MedGen C4551693, MONDO:0009101, OMIM 222300.
Cataract 41 (CTRCT41). Also called: CATARACT 41, CONGENITAL NUCLEAR TYPE. Identifiers: Orphanet 91492, Orphanet 98991, Orphanet 98992, Orphanet 98995, MedGen C3805412, MONDO:0007287, OMIM 116400.
Autosomal dominant nonsyndromic hearing loss 6 (LFSNHL). Also called: DEAFNESS, AUTOSOMAL DOMINANT 14; DEAFNESS, AUTOSOMAL DOMINANT 38; Autosomal dominant nonsyndromic deafness 6; DEAFNESS, AUTOSOMAL DOMINANT 6. Identifiers: Orphanet 90635, MedGen C1833021, MONDO:0010963, OMIM 600965.
Wolfram-like syndrome. Also called: HEARING LOSS, PROGRESSIVE, WITH OPTIC ATROPHY AND/OR IMPAIRED GLUCOSE REGULATION. Identifiers: Orphanet 411590, MedGen C3280358, MONDO:0013673, OMIM 614296.
Type 2 diabetes mellitus. Also called: Type II diabetes mellitus. Identifiers: MedGen C0011860, MeSH D003924, MONDO:0005148, OMIM 125853, HP:0005978.

Allele frequency attached by ClinVar (database versions not stated): gnomAD 0.00001 and 0.00003; TOPMed 0.00002; ExAC 0.00004; gnomAD exomes 0.00005.
gnomAD v4.1: 59 of 1,612,676 alleles (0.0037%); highest among the groups gnomAD compares: South Asian, 0.035%; no homozygotes.

Submissions (5):

Labcorp Genetics (formerly Invitae), Labcorp
Classification: Likely benign. Last evaluated: 2026-01-08. Review status: criteria provided, single submitter. Criteria: Invitae Variant Classification Sherloc (09022015). Collection method: clinical testing. Allele origin: germline.

Blueprint Genetics
Classification: Likely benign. Last evaluated: 2022-08-05. Review status: criteria provided, single submitter. Criteria: ACMG Guidelines, 2015. Collection method: clinical testing. Allele origin: germline.

Fulgent Genetics
Classification: Likely benign for Cataract 41; Type 2 diabetes mellitus; Wolfram syndrome 1; Autosomal dominant nonsyndromic hearing loss 6; Wolfram-like syndrome. Last evaluated: 2022-03-05. Review status: criteria provided, single submitter. Criteria: ACMG Guidelines, 2015. Collection method: clinical testing. Allele origin: unknown.

Laboratory for Molecular Medicine, Mass General Brigham Personalized Medicine
Classification: Likely benign. Last evaluated: 2016-08-04. Review status: criteria provided, single submitter. Criteria: LMM Criteria. Collection method: clinical testing. Allele origin: germline. Observed: 1 variant allele.
Comment: p.Asp272Asp in exon 7 of WFS1 : This variant is not expected to have clinical si gnificance because it does not alter an amino acid residue and is not located wi thin the splice consensus sequence. It has been identified in 4/16508 South Asia n chromosomes by the Exome Aggregation Consortium (ExAC; dbSNP rs762774307).

Clinical Genomics, Uppaluri K&H Personalized Medicine Clinic
Classification: Benign for Wolfram syndrome 1. Review status: criteria provided, single submitter. Criteria: K & H Uppaluri Personalized Medicine Clinic Variant Classification & Assertion Criteria_Updated V.1. Collection method: research. Allele origin: unknown. Inheritance: Autosomal recessive inheritance.
Comment: Potent mutations in WFS1 gene are associated with Wolfram's syndrome, an autosomal recessive condition, which cause diabetes mellitus, diabetes insipidus, deafness and optic atrophy.However no sufficient evidence is found to ascertain the role of this particular variant rs762774307 in Wolfram's syndrome yet.

Literature cited by the submitters: PubMed 20738327 (cited by Clinical Genomics, Uppaluri K&H Personalized Medicine Clinic); PubMed 33879153 (cited by Clinical Genomics, Uppaluri K&H Personalized Medicine Clinic); PubMed 12955714 (cited by Clinical Genomics, Uppaluri K&H Personalized Medicine Clinic); PubMed 18060660 (cited by Clinical Genomics, Uppaluri K&H Personalized Medicine Clinic); PubMed 20301750 (cited by Clinical Genomics, Uppaluri K&H Personalized Medicine Clinic); PubMed 17603484 (cited by Clinical Genomics, Uppaluri K&H Personalized Medicine Clinic).

NM_006005.3(WFS1):c.816C>T (p.Asp272=)

Gene: WFS1 (wolframin ER transmembrane glycoprotein; plus strand). Cytogenetic location: 4p16.1.
Variant type: single nucleotide variant.
Coding change: c.816C>T on transcript NM_006005.3 (MANE Select); coding-DNA position 816, C replaced by T.
Protein change: p.Asp272=; no amino-acid change (aspartic acid 272 retained).
Molecular consequence: synonymous variant.
Genome position (GRCh38, 1-based): chr4:6,295,144, C>T. VCF-style: chr4-6295144-C-T. GRCh37 (hg19) VCF-style: chr4-6296871-C-T.
Other names: c.816C>T, p.Asp272= (NM_001145853.1).
Identifiers: ClinVar variation 505256 (VCV000505256.16), dbSNP rs762774307, ClinGen allele CA2839067.
Genomic context (GRCh38, chr4:6,295,144, plus strand): 5'-GAAGTACGCCAAGGGCGTCATCCCCAGCAGCCTGTTCCTGCAGGACGACGAAGATGATGA[C>T]GAGCTGGCGGGGAAGAGCCCTGAGGACCTGCCACTGCGTCTGAAGGTGAGTGACCAAGAC-3'
Protein context (NP_005996.2, residues 262-282): SLFLQDDEDD[Asp272=]ELAGKSPEDL